The following is an entry in ClinVar:

NM_000179.3(MSH6):c.823A>T (p.Ser275Cys)

Gene: MSH6 (mutS homolog 6; plus strand). Cytogenetic location: 2p16.3.
Variant type: single nucleotide variant.
Coding change: c.823A>T on transcript NM_000179.3 (MANE Select); coding-DNA position 823, A replaced by T.
Protein change: p.Ser275Cys; replaces serine 275 with cysteine.
Molecular consequence: missense variant. On other transcripts: 5 prime UTR variant (9), non-coding transcript variant (4), intron variant (1).
Genome position (GRCh38, 1-based): chr2:47,798,806, A>T. VCF-style: chr2-47798806-A-T. GRCh37 (hg19) VCF-style: chr2-48025945-A-T.
Other names: c.433A>T, p.Ser145Cys (NM_001281492.2); c.-84A>T (NM_001281493.2, NM_001281494.2, NM_001406811.1 and 6 more transcripts); c.919A>T, p.Ser307Cys (NM_001406795.1, NM_001406802.1); c.823A>T, p.Ser275Cys (NM_001406796.1, NM_001406798.1, NM_001406800.1 and 4 more transcripts); c.526A>T, p.Ser176Cys (NM_001406797.1, NM_001406801.1, NM_001406805.1 and 10 more transcripts); c.298A>T, p.Ser100Cys (NM_001406799.1, NM_001406806.1, NM_001406807.1); c.745A>T, p.Ser249Cys (NM_001406804.1); c.829A>T, p.Ser277Cys (NM_001406813.1); and 2 more; short protein forms S176C, S219C, S100C, S277C, S307C, S145C, S249C, S275C.
Identifiers: ClinVar variation 4655696 (VCV004655696.1).
Genomic context (GRCh38, chr2:47,798,806, plus strand): 5'-GAGAGTGACATTGGTGGCTCTGATGTGGAATTTAAGCCAGACACTAAGGAGGAAGGAAGC[A>T]GTGATGAAATAAGCAGTGGAGTGGGGGATAGTGAGAGTGAAGGCCTGAACAGCCCTGTCA-3'
Protein context (NP_000170.1, residues 265-285): FKPDTKEEGS[Ser275Cys]DEISSGVGDS

ClinVar aggregate classification (germline): Uncertain significance (1 of 4 stars; one submission).

Conditions:
Hereditary cancer-predisposing syndrome. Also called: Neoplastic Syndromes, Hereditary; Tumor predisposition; Hereditary Cancer Syndrome; Hereditary neoplastic syndrome. Identifiers: Orphanet 140162, MedGen C0027672, MeSH D009386, MONDO:0015356.

gnomAD v4.1: 2 of 1,614,214 alleles (0.00012%); highest among the groups gnomAD compares: Non-Finnish European, 0.00017%; no homozygotes.

Submission:

Ambry Genetics
Classification: Uncertain significance for Hereditary cancer-predisposing syndrome. Last evaluated: 2025-10-03. Review status: criteria provided, single submitter. Criteria: Ambry Variant Classification Scheme 2023. Collection method: clinical testing. Allele origin: germline.
Comment: The p.S275C variant (also known as c.823A>T), located in coding exon 4 of the MSH6 gene, results from an A to T substitution at nucleotide position 823. The serine at codon 275 is replaced by cysteine, an amino acid with dissimilar properties. This amino acid position is conserved. In addition, the in silico prediction for this alteration is inconclusive. Based on the available evidence, the clinical significance of this variant remains unclear.